The following is an entry in ClinVar:

ClinVar aggregate classification (germline): Uncertain significance. Review status: criteria provided, multiple submitters, no conflicts (2 of 4 stars). 2 submissions from 2 submitters: Uncertain significance (2). Last evaluated 2026-08-23.

Conditions:
Inborn genetic diseases. Identifiers: MedGen C0950123, MeSH D030342.

Submissions (2):

GeneDx
Classification: Uncertain significance. Last evaluated: 2026-08-23. Review status: criteria provided, single submitter. Criteria: GeneDx Variant Classification Process June 2021. Collection method: clinical testing. Allele origin: germline.
Comment: Not observed at significant frequency in large population cohorts (gnomAD); In silico analysis suggests that this missense variant does not alter protein structure/function; Has not been previously published as pathogenic or benign to our knowledge

Ambry Genetics
Classification: Uncertain significance for Inborn genetic diseases. Last evaluated: 2017-04-27. Review status: criteria provided, single submitter. Criteria: Ambry exome assertion method (8-5-2015). Collection method: clinical testing. Allele origin: germline. Affected: yes. Observed: 1 variant allele.

NM_031206.7(LAS1L):c.347G>C (p.Gly116Ala)

Gene: LAS1L (LAS1 like ribosome biogenesis factor; minus strand). Cytogenetic location: Xq12.
Variant type: single nucleotide variant.
Coding change: c.347G>C on transcript NM_031206.7 (MANE Select); coding-DNA position 347, G replaced by C.
Protein change: p.Gly116Ala; replaces glycine 116 with alanine.
Molecular consequence: missense variant. On other transcripts: 5 prime UTR variant (1), non-coding transcript variant (1), intron variant (1).
Genome position (GRCh38, 1-based): chrX:65,533,625, C>G on the plus strand (G>C on the coding strand, the complement: LAS1L is on the minus strand). VCF-style: chrX-65533625-C-G. GRCh37 (hg19) VCF-style: chrX-64753505-C-G.
Other names: c.347G>C, p.Gly116Ala (NM_001170649.2, NM_001375328.1, NM_001375329.1 and 7 more transcripts); c.-450G>C (NM_001375332.1); c.236+855G>C (NM_001170650.2); short protein forms G116A.
Identifiers: ClinVar variation 521744 (VCV000521744.6), dbSNP rs1556319125, ClinGen allele CA413320490.